The following is an entry in ClinVar:

ClinVar aggregate classification (germline): Uncertain significance (1 of 4 stars; one submission).

Conditions:
Inborn genetic diseases. Identifiers: MedGen C0950123, MeSH D030342.

Submission:

Ambry Genetics
Classification: Uncertain significance for Inborn genetic diseases. Last evaluated: 2026-03-30. Review status: criteria provided, single submitter. Criteria: Ambry Variant Classification Scheme 2023. Collection method: clinical testing. Allele origin: germline.
Comment: The p.I700V variant (also known as c.2098A>G), located in coding exon 12 of the FANCM gene, results from an A to G substitution at nucleotide position 2098. The isoleucine at codon 700 is replaced by valine, an amino acid with highly similar properties. This amino acid position is conserved. In addition, this alteration is predicted to be tolerated by in silico analysis. Based on the available evidence, the clinical significance of this variant remains unclear.

NM_020937.4(FANCM):c.2098A>G (p.Ile700Val)

Gene: FANCM (FA complementation group M; plus strand). Cytogenetic location: 14q21.2.
Variant type: single nucleotide variant.
Coding change: c.2098A>G on transcript NM_020937.4 (MANE Select); coding-DNA position 2098, A replaced by G.
Protein change: p.Ile700Val; replaces isoleucine 700 with valine.
Molecular consequence: missense variant.
Genome position (GRCh38, 1-based): chr14:45,170,684, A>G. VCF-style: chr14-45170684-A-G. GRCh37 (hg19) VCF-style: chr14-45639887-A-G.
Other names: c.2020A>G, p.Ile674Val (NM_001308133.2); short protein forms I674V, I700V.
Identifiers: ClinVar variation 4871052 (VCV004871052.1).